The following is an entry in ClinVar:

ClinVar aggregate classification (germline): Uncertain significance (1 of 4 stars; one submission).

Conditions:
ALG11-congenital disorder of glycosylation. Also called: CONGENITAL DISORDER OF GLYCOSYLATION, TYPE Ip; ALG11-CDG. Identifiers: Orphanet 280071, MedGen C3150913, MONDO:0013349, OMIM 613661.

Submission:

Labcorp Genetics (formerly Invitae), Labcorp
Classification: Uncertain significance for ALG11-congenital disorder of glycosylation. Last evaluated: 2022-11-01. Review status: criteria provided, single submitter. Criteria: Invitae Variant Classification Sherloc (09022015). Collection method: clinical testing. Allele origin: germline.
Comment: Advanced modeling of protein sequence and biophysical properties (such as structural, functional, and spatial information, amino acid conservation, physicochemical variation, residue mobility, and thermodynamic stability) performed at Invitae indicates that this missense variant is not expected to disrupt ALG11 protein function. This sequence change replaces methionine, which is neutral and non-polar, with leucine, which is neutral and non-polar, at codon 63 of the ALG11 protein (p.Met63Leu). This variant is not present in population databases (gnomAD no frequency). This variant has not been reported in the literature in individuals affected with ALG11-related conditions. ClinVar contains an entry for this variant (Variation ID: 1063818). In summary, the available evidence is currently insufficient to determine the role of this variant in disease. Therefore, it has been classified as a Variant of Uncertain Significance.

NM_001004127.3(ALG11):c.187A>T (p.Met63Leu)

Gene: ALG11 (ALG11 alpha-1,2-mannosyltransferase; plus strand). Cytogenetic location: 13q14.3.
Variant type: single nucleotide variant.
Coding change: c.187A>T on transcript NM_001004127.3 (MANE Select); coding-DNA position 187, A replaced by T.
Protein change: p.Met63Leu; replaces methionine 63 with leucine.
Molecular consequence: missense variant.
Genome position (GRCh38, 1-based): chr13:52,019,055, A>T. VCF-style: chr13-52019055-A-T. GRCh37 (hg19) VCF-style: chr13-52593191-A-T.
Other names: short protein forms M63L.
Identifiers: ClinVar variation 1063818 (VCV001063818.9), dbSNP rs2140832522, ClinGen allele CA388010785.